The following is an entry in ClinVar:

ClinVar aggregate classification (germline): Uncertain significance (1 of 4 stars; one submission).

Conditions:
Tuberous sclerosis 2 (TSC2). Identifiers: Orphanet 805, MedGen C1860707, MONDO:0013199, OMIM 613254.

Submission:

Clinical Genomics Laboratory, Washington University in St. Louis
Classification: Uncertain significance for Tuberous sclerosis 2. Last evaluated: 2026-05-10. Review status: criteria provided, single submitter. Criteria: ACMG Guidelines, 2015. Collection method: clinical testing. Allele origin: germline.
Comment: The TSC2 c.1717-347G>T variant, to our knowledge, has not been reported in the medical literature. This variant is absent from the general population (gnomAD v4.1.1), indicating it is not a common variant. This variant lies within the cis-regulatory element of TSC2 and computational predictors indicate that this variant may alter splicing, evidence that correlates to an impact of this variant TSC2 function. Due to limited information, and based on ACMG/AMP guidelines for variant interpretation (Richards S et al., PMID: 25741868), the clinical significance of this variant is uncertain at this time.

NM_000548.5(TSC2):c.1717-347G>T

Gene: TSC2 (TSC complex subunit 2; plus strand). Cytogenetic location: 16p13.3.
Variant type: single nucleotide variant.
Coding change: c.1717-347G>T on transcript NM_000548.5 (MANE Select); 347 bases into the intron before coding-DNA position 1717, G replaced by T.
Molecular consequence: intron variant.
Genome position (GRCh38, 1-based): chr16:2,070,109, G>T. VCF-style: chr16-2070109-G-T. GRCh37 (hg19) VCF-style: chr16-2120110-G-T.
Other names: c.373-347G>T (NM_001406693.1, NM_001406689.1, NM_001406690.1 and 6 more transcripts); c.1807-347G>T (NM_001406667.1, NM_001406668.1); c.1117-347G>T (NM_001406680.1, NM_001406683.1, NM_001406687.1 and 6 more transcripts); c.115-347G>T (NM_001406698.1); c.1717-347G>T (NM_001114382.3, NM_001406663.1, NM_001406664.1 and 6 more transcripts); c.1705-347G>T (NM_001406671.1, NM_001406673.1); c.1255-347G>T (NM_001406681.1); c.1606-347G>T (NM_001406670.1, NM_001318827.2, NM_001406678.1); and 3 more.
Identifiers: ClinVar variation 4879523 (VCV004879523.1).